The following is an entry in ClinVar:

NM_001903.5(CTNNA1):c.626C>T (p.Ala209Val)

Gene: CTNNA1 (catenin alpha 1; plus strand). Cytogenetic location: 5q31.2.
Variant type: single nucleotide variant.
Coding change: c.626C>T on transcript NM_001903.5 (MANE Select); coding-DNA position 626, C replaced by T.
Protein change: p.Ala209Val; replaces alanine 209 with valine.
Molecular consequence: missense variant.
Genome position (GRCh38, 1-based): chr5:138,824,567, C>T. VCF-style: chr5-138824567-C-T. GRCh37 (hg19) VCF-style: chr5-138160256-C-T.
Other names: c.626C>T, p.Ala209Val (NM_001290307.3, NM_001323982.2, NM_001323983.1 and 3 more transcripts); c.317C>T, p.Ala106Val (NM_001290309.3); c.257C>T, p.Ala86Val (NM_001290310.3); short protein forms A106V, A86V, A209V.
Identifiers: ClinVar variation 3270079 (VCV003270079.1).

ClinVar aggregate classification (germline): Uncertain significance (1 of 4 stars; one submission).

Conditions:
Hereditary cancer-predisposing syndrome. Also called: Tumor predisposition; Hereditary Cancer Syndrome; Hereditary neoplastic syndrome; Neoplastic Syndromes, Hereditary. Identifiers: Orphanet 140162, MedGen C0027672, MeSH D009386, MONDO:0015356.

Submission:

Ambry Genetics
Classification: Uncertain significance for Hereditary cancer-predisposing syndrome. Last evaluated: 2024-03-27. Review status: criteria provided, single submitter. Criteria: Ambry Variant Classification Scheme 2023. Collection method: clinical testing. Allele origin: germline.
Comment: The p.A209V variant (also known as c.626C>T), located in coding exon 5 of the CTNNA1 gene, results from a C to T substitution at nucleotide position 626. The alanine at codon 209 is replaced by valine, an amino acid with similar properties. This amino acid position is conserved. In addition, the in silico prediction for this alteration is inconclusive. Based on the available evidence, the clinical significance of this alteration remains unclear.